The following is an entry in ClinVar:

ClinVar aggregate classification (germline): Uncertain significance (1 of 4 stars; one submission).

Submission:

GeneDx
Classification: Uncertain significance. Last evaluated: 2024-11-15. Review status: criteria provided, single submitter. Criteria: GeneDx Variant Classification Process June 2021. Collection method: clinical testing. Allele origin: germline. Affected: yes.
Comment: In-frame deletion of 32 amino acid(s) in a non-repeat region; Has not been previously published as pathogenic or benign to our knowledge; In silico analysis supports a deleterious effect on protein structure/function; Not observed at significant frequency in large population cohorts (gnomAD)

NM_005612.5(REST):c.2193_2288del (p.Met731_Lys762del)

Gene: REST (RE1 silencing transcription factor; plus strand). Cytogenetic location: 4q12.
Variant type: Deletion.
Coding change: c.2193_2288del on transcript NM_005612.5 (MANE Select); coding-DNA positions 2193 to 2288, 96 bases deleted.
Protein change: p.Met731_Lys762del.
Molecular consequence: inframe deletion. On other transcripts: inframe indel (2).
Genome position (GRCh38, 1-based): chr4:56,931,051-56,931,146, 96 bases deleted. GRCh37 (hg19): chr4:57,797,217-57,797,312.
Other names: c.2193_2288del96, p.Met731_Lys762del (NM_001193508.2, NM_001363453.3).
Identifiers: ClinVar variation 3899556 (VCV003899556.1).